The following is an entry in ClinVar:

NM_003482.4(KMT2D):c.12414dup (p.Val4139fs)

Gene: KMT2D (lysine methyltransferase 2D; minus strand). Cytogenetic location: 12q13.12.
Variant type: Duplication.
Coding change: c.12414dup on transcript NM_003482.4 (MANE Select); coding-DNA position 12414, one base duplicated (T; older notation c.12414dupT).
Protein change: p.Val4139fs; shifts the reading frame from valine 4139.
Molecular consequence: frameshift variant.
Genome position (GRCh38, 1-based): chr12:49,032,291, A duplicated on the plus strand (T on the coding strand, the reverse complement: KMT2D is on the minus strand). VCF-style (leftmost placement, unchanged base first): chr12-49032290-C-CA. GRCh37 (hg19) VCF-style: chr12-49426073-C-CA.
Other names: short protein forms V4139fs.
Identifiers: ClinVar variation 985305 (VCV000985305.4), dbSNP rs1942959186, ClinGen allele CA1139662667.

ClinVar aggregate classification (germline): Pathogenic (1 of 4 stars; one submission).

Conditions:
Inborn genetic diseases. Identifiers: MedGen C0950123, MeSH D030342.

Submission:

Ambry Genetics
Classification: Pathogenic for Inborn genetic diseases. Last evaluated: 2020-01-14. Review status: criteria provided, single submitter. Criteria: Ambry Variant Classification Scheme 2023. Collection method: clinical testing. Allele origin: germline.
Comment: The alteration results in a premature stop codon: _x000D_ _x000D_ The c.12414dupT (p.V4139Cfs*29) alteration, located in coding exon 39 of the KMT2D gene, results from a duplication of 1 nucleotide at position 12414, causing a translational frameshift with a predicted alternate stop codon after 29 amino acids. This alteration is expected to result in loss of function by premature protein truncation or nonsense-mediated mRNA decay. The alteration has been observed in affected individuals:_x000D_ _x000D_ This alteration was previously reported in a cohort of patients with a clinical diagnosis of Kabuki syndrome (Makrythanasis, 2013). Based on the available evidence, this alteration is classified as pathogenic.

Literature cited by the submitters: PubMed 23320472.